The following is an entry in ClinVar:

ClinVar aggregate classification (germline): Uncertain significance (1 of 4 stars; one submission).

Conditions:
Hereditary cancer-predisposing syndrome. Also called: Hereditary Cancer Syndrome; Hereditary neoplastic syndrome; Tumor predisposition; Neoplastic Syndromes, Hereditary. Identifiers: Orphanet 140162, MedGen C0027672, MeSH D009386, MONDO:0015356.

Submission:

Ambry Genetics
Classification: Uncertain significance for Hereditary cancer-predisposing syndrome. Last evaluated: 2021-07-01. Review status: criteria provided, single submitter. Criteria: Ambry Variant Classification Scheme 2023. Collection method: clinical testing. Allele origin: germline.
Comment: The p.C843W variant (also known as c.2529T>G), located in coding exon 15 of the PMS2 gene, results from a T to G substitution at nucleotide position 2529. The cysteine at codon 843 is replaced by tryptophan, an amino acid with highly dissimilar properties. This amino acid position is highly conserved in available vertebrate species. In addition, this alteration is predicted to be deleterious by in silico analysis. Since supporting evidence is limited at this time, the clinical significance of this alteration remains unclear.

NM_000535.7(PMS2):c.2529T>G (p.Cys843Trp)

Gene: PMS2 (PMS1 homolog 2, mismatch repair system component; minus strand). Cytogenetic location: 7p22.1.
Variant type: single nucleotide variant.
Coding change: c.2529T>G on transcript NM_000535.7 (MANE Select); coding-DNA position 2529, T replaced by G.
Protein change: p.Cys843Trp; replaces cysteine 843 with tryptophan.
Molecular consequence: missense variant. On other transcripts: non-coding transcript variant (1).
Genome position (GRCh38, 1-based): chr7:5,973,459, A>C on the plus strand (T>G on the coding strand, the complement: PMS2 is on the minus strand). VCF-style: chr7-5973459-A-C. GRCh37 (hg19) VCF-style: chr7-6013090-A-C.
Other names: c.2124T>G, p.Cys708Trp (NM_001018040.1, NM_001322003.2, NM_001322004.2 and 12 more transcripts); c.2373T>G, p.Cys791Trp (NM_001322006.2); c.2211T>G, p.Cys737Trp (NM_001322007.2, NM_001322008.2, NM_001406883.1); c.2157T>G, p.Cys719Trp (NM_001322009.2, NM_001406887.1, NM_001406888.1); c.1968T>G, p.Cys656Trp (NM_001322010.2, NM_001406906.1, NM_001406907.1); c.1596T>G, p.Cys532Trp (NM_001322011.2, NM_001322012.2); c.1956T>G, p.Cys652Trp (NM_001322013.2, NM_001406908.1, NM_001406909.1); c.2562T>G, p.Cys854Trp (NM_001322014.2); and 20 more; short protein forms C719W, C751W, C777W, C802W, C843W, C532W, C652W, C656W.
Identifiers: ClinVar variation 1792640 (VCV001792640.2), dbSNP rs1583269331, ClinGen allele CA366734858.